The following is an entry in ClinVar:

ClinVar aggregate classification (germline): Uncertain significance (1 of 4 stars; one submission).

Conditions:
Multiple endocrine neoplasia, type 2 (MEN2). Identifiers: Orphanet 653, MedGen C4048306, MONDO:0019003. Disease mechanism: gain of function.

Submission:

Labcorp Genetics (formerly Invitae), Labcorp
Classification: Uncertain significance for Multiple endocrine neoplasia, type 2. Last evaluated: 2020-11-03. Review status: criteria provided, single submitter. Criteria: Invitae Variant Classification Sherloc (09022015). Collection method: clinical testing. Allele origin: germline.
Comment: This sequence change affects codon 23 of the RET mRNA. It is a 'silent' change, meaning that it does not change the encoded amino acid sequence of the RET protein. In summary, the available evidence is currently insufficient to determine the role of this variant in disease. Therefore, it has been classified as a Variant of Uncertain Significance. Algorithms developed to predict the effect of sequence changes on RNA splicing suggest that this variant may create or strengthen a splice site, but this prediction has not been confirmed by published transcriptional studies. This variant has not been reported in the literature in individuals with RET-related conditions. The frequency data for this variant in the population databases is considered unreliable, as metrics indicate insufficient coverage at this position in the ExAC database.

NM_020975.6(RET):c.69C>T (p.Gly23=)

Gene: RET (ret proto-oncogene; plus strand). Cytogenetic location: 10q11.21.
Variant type: single nucleotide variant.
Coding change: c.69C>T on transcript NM_020975.6 (MANE Select); coding-DNA position 69, C replaced by T.
Protein change: p.Gly23=; no amino-acid change (glycine 23 retained).
Molecular consequence: synonymous variant.
Genome position (GRCh38, 1-based): chr10:43,077,327, C>T. VCF-style: chr10-43077327-C-T. GRCh37 (hg19) VCF-style: chr10-43572775-C-T.
Other names: c.69C>T, p.Gly23= (NM_000323.2, NM_001406743.1, NM_001406744.1 and 38 more transcripts).
Identifiers: ClinVar variation 1386322 (VCV001386322.9), dbSNP rs2132499469, ClinGen allele CA469275160.